The following is an entry in ClinVar:

NM_004431.5(EPHA2):c.853G>A (p.Ala285Thr)

Gene: EPHA2 (EPH receptor A2; minus strand). Cytogenetic location: 1p36.13.
Variant type: single nucleotide variant.
Coding change: c.853G>A on transcript NM_004431.5 (MANE Select); coding-DNA position 853, G replaced by A.
Protein change: p.Ala285Thr; replaces alanine 285 with threonine.
Molecular consequence: missense variant.
Genome position (GRCh38, 1-based): chr1:16,138,401, C>T on the plus strand (G>A on the coding strand, the complement: EPHA2 is on the minus strand). VCF-style: chr1-16138401-C-T. GRCh37 (hg19) VCF-style: chr1-16464896-C-T.
Other names: c.691G>A, p.Ala231Thr (NM_001329090.2); short protein forms A231T, A285T.
Identifiers: ClinVar variation 4980075 (VCV004980075.1).
Genomic context (GRCh38, chr1:16,138,401, plus strand): 5'-TGGCACCCTCAGGGGATGGCAGCGTGTGCTCAGGGCACTCCAAGCAGGGGCTCTCAGATG[C>T]CTCAAACTTAAAAAATCCAGGCGAGCAGGCTGGTGGACACAGGACAGACAGAGCACAAGG-3'
Protein context (NP_004422.2, residues 275-295): ACSPGFFKFE[Ala285Thr]SESPCLECPE

ClinVar aggregate classification (germline): Uncertain significance (1 of 4 stars; one submission).

Conditions:
EPHA2-related disorder. Also called: EPHA2-related condition.

gnomAD v4.1: 1 of 1,613,770 alleles (0.000062%); highest among the groups gnomAD compares: Admixed American, 0.0017%; no homozygotes.

Submission:

PreventionGenetics, part of Exact Sciences
Classification: Uncertain significance for EPHA2-related condition. Last evaluated: 2025-04-26. Review status: criteria provided, single submitter. Criteria: ACMG Guidelines, 2015. Collection method: clinical testing. Allele origin: germline.
Comment: The EPHA2 c.853G>A variant is predicted to result in the amino acid substitution p.Ala285Thr. To our knowledge, this variant has not been reported in the literature. This variant is reported in 0.0029% of alleles in individuals of Latino descent in gnomAD. At this time, the clinical significance of this variant is uncertain due to the absence of conclusive functional and genetic evidence.